The following is an entry in ClinVar:

NM_022041.4(GAN):c.715C>G (p.Pro239Ala)

Gene: GAN (gigaxonin; plus strand). Cytogenetic location: 16q23.2.
Variant type: single nucleotide variant.
Coding change: c.715C>G on transcript NM_022041.4 (MANE Select); coding-DNA position 715, C replaced by G.
Protein change: p.Pro239Ala; replaces proline 239 with alanine.
Molecular consequence: missense variant.
Genome position (GRCh38, 1-based): chr16:81,356,866, C>G. VCF-style: chr16-81356866-C-G. GRCh37 (hg19) VCF-style: chr16-81390471-C-G.
Other names: c.76C>G, p.Pro26Ala (NM_001377486.1); short protein forms P239A, P26A.
Identifiers: ClinVar variation 653267 (VCV000653267.7), dbSNP rs184128641, ClinGen allele CA396871185.

ClinVar aggregate classification (germline): Uncertain significance. Review status: criteria provided, multiple submitters, no conflicts (2 of 4 stars). 2 submissions from 2 submitters: Uncertain significance (2). Last evaluated 2021-09-01.

Conditions:
Giant axonal neuropathy 1 (GAN1). Also called: GIANT AXONAL NEUROPATHY 1, AUTOSOMAL RECESSIVE; GAN-Related Neurodegeneration. Identifiers: Orphanet 643, MedGen C1850386, MONDO:0009749, OMIM 256850.
Inborn genetic diseases. Identifiers: MedGen C0950123, MeSH D030342.

Allele frequency attached by ClinVar (database versions not stated): TOPMed 0.00001; gnomAD 0.00001; gnomAD exomes 0.00001.
gnomAD v4.1: 11 of 1,613,214 alleles (0.00068%); highest among the groups gnomAD compares: Non-Finnish European, 0.00085%; no homozygotes.

Submissions (2):

Labcorp Genetics (formerly Invitae), Labcorp
Classification: Uncertain significance for Giant axonal neuropathy 1. Last evaluated: 2021-09-01. Review status: criteria provided, single submitter. Criteria: Invitae Variant Classification Sherloc (09022015). Collection method: clinical testing. Allele origin: germline.
Comment: This sequence change replaces proline with alanine at codon 239 of the GAN protein (p.Pro239Ala). The proline residue is moderately conserved and there is a small physicochemical difference between proline and alanine. This variant is not present in population databases (ExAC no frequency). This variant has not been reported in the literature in individuals affected with GAN-related conditions. Algorithms developed to predict the effect of missense changes on protein structure and function (SIFT, PolyPhen-2, Align-GVGD) all suggest that this variant is likely to be tolerated. In summary, the available evidence is currently insufficient to determine the role of this variant in disease. Therefore, it has been classified as a Variant of Uncertain Significance.

Ambry Genetics
Classification: Uncertain significance for Inborn genetic diseases. Last evaluated: 2020-03-24. Review status: criteria provided, single submitter. Criteria: Ambry Variant Classification Scheme 2023. Collection method: clinical testing. Allele origin: germline.
Comment: The p.P239A variant (also known as c.715C>G), located in coding exon 4 of the GAN gene, results from a C to G substitution at nucleotide position 715. The proline at codon 239 is replaced by alanine, an amino acid with highly similar properties. This amino acid position is highly conserved in available vertebrate species. In addition, the in silico prediction for this alteration is inconclusive. Since supporting evidence is limited at this time, the clinical significance of this alteration remains unclear.